The following is an entry in ClinVar:

ClinVar aggregate classification (germline): Conflicting classifications of pathogenicity. Review status: criteria provided, conflicting classifications (1 of 4 stars). 3 submissions from 3 submitters: Uncertain significance (1); Benign (1); Likely benign (1). Last evaluated 2025-10-25.

Conditions:
Ehlers-Danlos syndrome, classic type, 1 (EDSCL1). Also called: Ehlers-Danlos Syndrome, Classic Type, COL5A1-Related; EHLERS-DANLOS SYNDROME, GRAVIS TYPE; EHLERS-DANLOS SYNDROME, SEVERE CLASSIC TYPE; Ehlers-Danlos syndrome, type 1; EDS I. Identifiers: MedGen C0268335, MONDO:0019567, OMIM 130000.
Familial thoracic aortic aneurysm and aortic dissection (TAAD). Also called: Thoracic aortic aneurysms and dissections. Identifiers: Orphanet 91387, MedGen C4707243, MONDO:0019625.

Allele frequency attached by ClinVar (database versions not stated): ExAC 0.00005; gnomAD 0.00017 and 0.00018; gnomAD exomes 0.00003 and 0.00002; TOPMed 0.00014; 1000 Genomes Project 0.00060; 1000 Genomes Project 30x 0.00062; ESP Exome Variant Server 0.00008.
gnomAD v4.1: 49 of 1,613,598 alleles (0.003%); highest among the groups gnomAD compares: African/African-American, 0.06%; no homozygotes.

Submissions (3):

GeneDx
Classification: Uncertain significance. Last evaluated: 2025-10-25. Review status: criteria provided, single submitter. Criteria: GeneDx Variant Classification Process June 2021. Collection method: clinical testing. Allele origin: germline. Affected: yes.
Comment: Has not been previously published as pathogenic or benign to our knowledge; In silico analysis suggests that this missense variant does not alter protein structure/function; This variant is associated with the following publications: (PMID: 26608033, 11125122)

Labcorp Genetics (formerly Invitae), Labcorp
Classification: Benign for Ehlers-Danlos syndrome, classic type, 1. Last evaluated: 2025-09-12. Review status: criteria provided, single submitter. Criteria: Invitae Variant Classification Sherloc (09022015). Collection method: clinical testing. Allele origin: germline.

Ambry Genetics
Classification: Likely benign for Familial thoracic aortic aneurysm and aortic dissection. Last evaluated: 2024-10-30. Review status: criteria provided, single submitter. Criteria: Ambry Variant Classification Scheme 2023. Collection method: clinical testing. Allele origin: germline.

NM_000393.5(COL5A2):c.2263A>C (p.Thr755Pro)

Gene: COL5A2 (collagen type V alpha 2 chain; minus strand). Cytogenetic location: 2q32.2.
Variant type: single nucleotide variant.
Coding change: c.2263A>C on transcript NM_000393.5 (MANE Select); coding-DNA position 2263, A replaced by C.
Protein change: p.Thr755Pro; replaces threonine 755 with proline.
Molecular consequence: missense variant.
Genome position (GRCh38, 1-based): chr2:189,057,394, T>G on the plus strand (A>C on the coding strand, the complement: COL5A2 is on the minus strand). VCF-style: chr2-189057394-T-G. GRCh37 (hg19) VCF-style: chr2-189922120-T-G.
Other names: p.T755P:ACA>CCA; short protein forms T755P.
Identifiers: ClinVar variation 213105 (VCV000213105.15), dbSNP rs34395097, ClinGen allele CA321824.
Genomic context (GRCh38, chr2:189,057,394, plus strand): 5'-GGCCAGGAGTTCCTGCAATTCCTCTTTCTCCCGGCATACCTTGAAGACCTGGTGGGCCTG[T>G]ATCTCCAGGGGTCCCAGATGGACCTGGACTGCCCTAAAATGAACCAACATTAAGTGACCA-3'
Protein context (NP_000384.2, residues 745-765): SPGPSGTPGD[Thr755Pro]GPPGLQGMPG